The following is an entry in ClinVar:

NM_024675.4(PALB2):c.48+2T>C

Gene: PALB2 (partner and localizer of BRCA2; minus strand). Cytogenetic location: 16p12.2.
Variant type: single nucleotide variant.
Coding change: c.48+2T>C on transcript NM_024675.4 (MANE Select); the canonical splice donor site of the intron after coding-DNA position 48, T replaced by C.
Molecular consequence: splice donor variant. On other transcripts: 5 prime UTR variant (2), intron variant (2).
Genome position (GRCh38, 1-based): chr16:23,641,108, A>G on the plus strand (T>C on the coding strand, the complement: PALB2 is on the minus strand). VCF-style: chr16-23641108-A-G. GRCh37 (hg19) VCF-style: chr16-23652429-A-G.
Other names: c.-1694T>C (NM_001407304.1, NM_001407310.1); c.-838+19T>C (NM_001407308.1, NM_001407306.1); c.48+2T>C (NM_001407314.1, NM_001407296.1, NM_001407297.1 and 5 more transcripts); c.-105+2T>C (NM_001407313.1, NM_001407312.1); c.-972+2T>C (NM_001407307.1, NM_001407309.1, NM_001407311.1 and 1 more transcripts).
Identifiers: ClinVar variation 4710807 (VCV004710807.1).

ClinVar aggregate classification (germline): Likely pathogenic (1 of 4 stars; one submission).

Conditions:
Familial cancer of breast. Also called: hereditary breast carcinoma; BREAST CANCER, FAMILIAL; Hereditary breast cancer. Identifiers: Orphanet 227535, MedGen C0346153, MONDO:0016419, OMIM 114480. Disease mechanism: loss of function.

Submission:

Labcorp Genetics (formerly Invitae), Labcorp
Classification: Likely pathogenic for Familial cancer of breast. Last evaluated: 2025-08-28. Review status: criteria provided, single submitter. Criteria: Invitae Variant Classification Sherloc (09022015). Collection method: clinical testing. Allele origin: germline.
Comment: This sequence change affects a donor splice site in intron 1 of the PALB2 gene. RNA analysis indicates that disruption of this splice site induces altered splicing and may result in an absent or altered protein product. This variant is not present in population databases (gnomAD no frequency). Disruption of this splice site has been observed in individual(s) with PALB2-related conditions (PMID: 34846068). Studies have shown that disruption of this splice site results in activation of a cryptic splice site, and produces a non-functional protein and/or introduces a premature termination codon (internal data). In summary, the currently available evidence indicates that the variant is pathogenic, but additional data are needed to prove that conclusively. Therefore, this variant has been classified as Likely Pathogenic.

Literature cited by the submitters: PubMed 34846068.